The following is an entry in ClinVar:

NM_006514.4(SCN10A):c.3108C>T (p.Val1036=)

Genes: SCN10A (sodium voltage-gated channel alpha subunit 10; minus strand), LOC110121288 (VISTA enhancer hs2268; plus strand). Cytogenetic location: 3p22.2.
Variant type: single nucleotide variant.
Coding change: c.3108C>T on transcript NM_006514.4 (MANE Select); coding-DNA position 3108, C replaced by T.
Protein change: p.Val1036=; no amino-acid change (valine 1036 retained).
Molecular consequence: synonymous variant.
Genome position (GRCh38, 1-based): chr3:38,725,294, G>A on the plus strand (C>T on the coding strand, the complement: SCN10A is on the minus strand). VCF-style: chr3-38725294-G-A. GRCh37 (hg19) VCF-style: chr3-38766785-G-A.
Other names: c.3105C>T, p.Val1035= (NM_001293306.2); c.2814C>T, p.Val938= (NM_001293307.2).
Identifiers: ClinVar variation 1307856 (VCV001307856.8), dbSNP rs970173552, ClinGen allele CA72959641.
Genomic context (GRCh38, chr3:38,725,294, plus strand): 5'-GTCCTCAGAAGATGTTCCAGTGCCTGGGCTCCTGGGTGTCAGGTGGTCCCCACACCTCTC[G>A]ACTTGCTGCAGCTGCTCCTGCTAGTGAGAGAGGGTCCCAACTGGGTGCCTGGCCCCACCC-3'
Protein context (NP_006505.4, residues 1026-1046): PKGQQEQLQQ[Val1036=]ERCGDHLTPR

ClinVar aggregate classification (germline): Conflicting classifications of pathogenicity. Review status: criteria provided, conflicting classifications (1 of 4 stars). 3 submissions from 3 submitters: Uncertain significance (1); Likely benign (2). Last evaluated 2024-10-06.

Conditions:
Brugada syndrome. Also called: Sudden unexpected nocturnal death syndrome; Sudden unexplained nocturnal death syndrome; Sudden Unexplained Death Syndrome; Sudden Unexplained Nocturnal Death Syndrome (SUNDS). Identifiers: Orphanet 130, MedGen C1142166, MONDO:0015263.
Cardiovascular phenotype. Identifiers: MedGen CN230736.

Allele frequency attached by ClinVar (database versions not stated): gnomAD exomes below 0.00001; TOPMed below 0.00001.
gnomAD v4.1: 19 of 1,579,948 alleles (0.0012%); highest among the groups gnomAD compares: Admixed American, 0.0034%; no homozygotes.

Submissions (3):

Labcorp Genetics (formerly Invitae), Labcorp
Classification: Likely benign for Brugada syndrome. Last evaluated: 2024-10-06. Review status: criteria provided, single submitter. Criteria: Invitae Variant Classification Sherloc (09022015). Collection method: clinical testing. Allele origin: germline.

Ambry Genetics
Classification: Likely benign for Cardiovascular phenotype. Last evaluated: 2022-05-02. Review status: criteria provided, single submitter. Criteria: Ambry Variant Classification Scheme 2023. Collection method: clinical testing. Allele origin: germline.

GeneDx
Classification: Uncertain significance. Last evaluated: 2019-08-08. Review status: criteria provided, single submitter. Criteria: GeneDx Variant Classification Process June 2021. Collection method: clinical testing. Allele origin: germline. Affected: yes.
Comment: Has not been previously published as pathogenic or benign to our knowledge; Not observed at a significant frequency in large population cohorts (Lek et al., 2016); In-silico analysis, which includes splice predictors and evolutionary conservation, is inconclusive as to whether the variant alters gene splicing; in the absence of RNA/functional studies, the actual effect of this sequence change is unknown; Only one splicing variant in SCN10A is reported in HGMD in association with cardiac disease (Stenson et al., 2014)